The following is an entry in ClinVar:

ClinVar aggregate classification (germline): Uncertain significance. Review status: criteria provided, multiple submitters, no conflicts (2 of 4 stars). 3 submissions from 3 submitters: Uncertain significance (3). Last evaluated 2025-08-09.

Conditions:
Interstitial lung disease due to ABCA3 deficiency. Also called: PULMONARY ALVEOLAR PROTEINOSIS, CONGENITAL, 3. Identifiers: Orphanet 440402, MedGen C1970456, MONDO:0012582, OMIM 610921.
Hereditary pulmonary alveolar proteinosis. Also called: Pulmonary surfactant metabolism dysfunction. Identifiers: Orphanet 264675, MedGen C3711368, MONDO:0012580.

Allele frequency attached by ClinVar (database versions not stated): gnomAD exomes 0.00004; gnomAD 0.00010 and 0.00011; ESP Exome Variant Server 0.00015; TOPMed 0.00019; 1000 Genomes Project 30x 0.00031; 1000 Genomes Project 0.00040.
gnomAD v4.1: 54 of 1,613,664 alleles (0.0033%); highest among the groups gnomAD compares: African/African-American, 0.057%; no homozygotes.

Submissions (3):

Ambry Genetics
Classification: Uncertain significance for Hereditary pulmonary alveolar proteinosis. Last evaluated: 2025-08-09. Review status: criteria provided, single submitter. Criteria: Ambry Variant Classification Scheme 2023. Collection method: clinical testing. Allele origin: germline.
Comment: The p.A1405V variant (also known as c.4214C>T), located in coding exon 25 of the ABCA3 gene, results from a C to T substitution at nucleotide position 4214. The alanine at codon 1405 is replaced by valine, an amino acid with similar properties. This amino acid position is conserved. In addition, the in silico prediction for this alteration is inconclusive. Since supporting evidence is limited at this time, the clinical significance of this alteration remains unclear.

Labcorp Genetics (formerly Invitae), Labcorp
Classification: Uncertain significance. Last evaluated: 2024-03-08. Review status: criteria provided, single submitter. Criteria: Invitae Variant Classification Sherloc (09022015). Collection method: clinical testing. Allele origin: germline.
Comment: This sequence change replaces alanine, which is neutral and non-polar, with valine, which is neutral and non-polar, at codon 1405 of the ABCA3 protein (p.Ala1405Val). This variant is present in population databases (rs149559041, gnomAD 0.05%). This variant has not been reported in the literature in individuals affected with ABCA3-related conditions. ClinVar contains an entry for this variant (Variation ID: 635559). Advanced modeling of protein sequence and biophysical properties (such as structural, functional, and spatial information, amino acid conservation, physicochemical variation, residue mobility, and thermodynamic stability) performed at Invitae indicates that this missense variant is not expected to disrupt ABCA3 protein function with a negative predictive value of 80%. In summary, the available evidence is currently insufficient to determine the role of this variant in disease. Therefore, it has been classified as a Variant of Uncertain Significance.

Johns Hopkins Genomics, Johns Hopkins University
Classification: Uncertain significance for Interstitial lung disease due to ABCA3 deficiency. Last evaluated: 2019-03-11. Review status: criteria provided, single submitter. Criteria: ACMG Guidelines, 2015. Collection method: clinical testing. Allele origin: germline.
Comment: This ABCA3 variant (rs149559041) is rare in large population datasets (gnomAD: 15/282448 total alleles; 0.005%; no homozygotes). ABCA3 c.4214C>T has not been reported in ClinVar nor the literature, to our knowledge. Two bioinformatic tools queried predict that this substitution would be tolerated, and the alanine residue at this position is highly evolutionarily conserved across most species assessed. Bioinformatic analysis predicts that this variant would not affect normal exon 28 splicing, although this has not been confirmed experimentally to our knowledge. The clinical significance of c.4214C>T is uncertain at this time.

NM_001089.3(ABCA3):c.4214C>T (p.Ala1405Val)

Gene: ABCA3 (ATP binding cassette subfamily A member 3; minus strand). Cytogenetic location: 16p13.3.
Variant type: single nucleotide variant.
Coding change: c.4214C>T on transcript NM_001089.3 (MANE Select); coding-DNA position 4214, C replaced by T.
Protein change: p.Ala1405Val; replaces alanine 1405 with valine.
Molecular consequence: missense variant.
Genome position (GRCh38, 1-based): chr16:2,281,172, G>A on the plus strand (C>T on the coding strand, the complement: ABCA3 is on the minus strand). VCF-style: chr16-2281172-G-A. GRCh37 (hg19) VCF-style: chr16-2331173-G-A.
Other names: c.4214C>T (NM_001089.2); short protein forms A1405V.
Identifiers: ClinVar variation 635559 (VCV000635559.6), dbSNP rs149559041, ClinGen allele CA7840200.